The following is an entry in ClinVar:

ClinVar aggregate classification (germline): Likely benign. Review status: criteria provided, multiple submitters, no conflicts (2 of 4 stars). 5 submissions from 5 submitters: Likely benign (5). Last evaluated 2026-07-02.

Conditions:
TTN-related disorder. Also called: TTN-related disorders; TTN-related condition; TTN-related disease.
Autosomal recessive limb-girdle muscular dystrophy type 2J (LGMDR10). Also called: Limb-girdle muscular dystrophy, type 2J; MUSCULAR DYSTROPHY, LIMB-GIRDLE, AUTOSOMAL RECESSIVE 10. Identifiers: Orphanet 140922, MedGen C1837342, MONDO:0012127, OMIM 608807.
Dilated cardiomyopathy 1G (CMD1G). Identifiers: Orphanet 154, MedGen C1858763, MONDO:0011400, OMIM 604145.

Allele frequency attached by ClinVar (database versions not stated): TOPMed 0.00004.
gnomAD v4.1: 14 of 1,613,580 alleles (0.00087%); highest among the groups gnomAD compares: African/African-American, 0.0013%; no homozygotes.

Submissions (5):

PreventionGenetics, part of Exact Sciences
Classification: Likely benign for TTN-related condition. Last evaluated: 2026-07-02. Review status: criteria provided, single submitter. Criteria: ACMG Guidelines, 2015. Collection method: clinical testing. Allele origin: germline.
Comment: This variant is classified as likely benign based on ACMG/AMP sequence variant interpretation guidelines (Richards et al. 2015 PMID: 25741868, with internal and published modifications).

Mayo Clinic Laboratories, Mayo Clinic
Classification: Likely benign. Last evaluated: 2025-10-22. Review status: criteria provided, single submitter. Criteria: ACMG Guidelines, 2015. Collection method: clinical testing. Allele origin: germline. Observed: 1 variant allele.
Comment: BP4, BP7

Labcorp Genetics (formerly Invitae), Labcorp
Classification: Likely benign for Dilated cardiomyopathy 1G; Autosomal recessive limb-girdle muscular dystrophy type 2J. Last evaluated: 2025-08-14. Review status: criteria provided, single submitter. Criteria: Invitae Variant Classification Sherloc (09022015). Collection method: clinical testing. Allele origin: germline.

Athena Diagnostics
Classification: Likely benign. Last evaluated: 2019-10-31. Review status: criteria provided, single submitter. Criteria: Athena Diagnostics Criteria. Collection method: clinical testing. Allele origin: unknown.

GeneDx
Classification: Likely benign. Last evaluated: 2016-10-20. Review status: criteria provided, single submitter. Criteria: GeneDx Variant Classification (06012015). Collection method: clinical testing. Allele origin: germline. Affected: yes.
Comment: This variant is considered likely benign or benign based on one or more of the following criteria: it is a conservative change, it occurs at a poorly conserved position in the protein, it is predicted to be benign by multiple in silico algorithms, and/or has population frequency not consistent with disease.

NM_001267550.2(TTN):c.27498G>T (p.Ser9166=)

Gene: TTN (titin; minus strand). Cytogenetic location: 2q31.2.
Variant type: single nucleotide variant.
Coding change: c.27498G>T on transcript NM_001267550.2 (MANE Select); coding-DNA position 27498, G replaced by T.
Protein change: p.Ser9166=; no amino-acid change (serine 9166 retained).
Molecular consequence: synonymous variant. On other transcripts: intron variant (3).
Genome position (GRCh38, 1-based): chr2:178,712,424, C>A on the plus strand (G>T on the coding strand, the complement: TTN is on the minus strand). VCF-style: chr2-178712424-C-A. GRCh37 (hg19) VCF-style: chr2-179577151-C-A.
Other names: p.Ser8849=; c.26547G>T, p.Ser8849= (NM_001256850.1); c.23766G>T, p.Ser7922= (NM_133378.4); c.13282+25658G>T (NM_003319.4); c.13858+25658G>T (NM_133437.4); c.13657+25658G>T (NM_133432.3).
Identifiers: ClinVar variation 390098 (VCV000390098.15), dbSNP rs372528823, ClinGen allele CA1999795.
Genomic context (GRCh38, chr2:178,712,424, plus strand): 5'-AATGTAGCAGTTGTATTGTCCTGCATCCTCTACTGTGCTACTTGGAATTTCCAGGATTGC[C>A]GATTTTTCAGTCGTAGTTATATTACACCTCTGAGAAGGAGTTACATTTATGCCATTTTTC-3'
Protein context (NP_001254479.2, residues 9156-9176): QRCNITTTEK[Ser9166=]AILEIPSSTV